The following is an entry in ClinVar:

NM_014641.3(MDC1):c.3858C>T (p.Pro1286=)

Genes: MDC1 (mediator of DNA damage checkpoint 1; minus strand), MDC1-AS1 (MDC1 antisense RNA 1; plus strand). Cytogenetic location: 6p21.33.
Variant type: single nucleotide variant.
Coding change: c.3858C>T on transcript NM_014641.3 (MANE Select); coding-DNA position 3858, C replaced by T.
Protein change: p.Pro1286=; no amino-acid change (proline 1286 retained).
Molecular consequence: synonymous variant.
Genome position (GRCh38, 1-based): chr6:30,705,325, G>A on the plus strand (C>T on the coding strand, the complement: MDC1 is on the minus strand). VCF-style: chr6-30705325-G-A. GRCh37 (hg19) VCF-style: chr6-30673102-G-A.
Identifiers: ClinVar variation 4873353 (VCV004873353.2).

ClinVar aggregate classification (germline): Likely benign (1 of 4 stars; one submission).

Submission:

CeGaT Center for Human Genetics Tuebingen
Classification: Likely benign. Last evaluated: 2026-06-01. Review status: criteria provided, single submitter. Criteria: CeGaT Center For Human Genetics Tuebingen Variant Classification Criteria Version 2. Collection method: clinical testing. Allele origin: germline. Affected: yes. Observed: 1 variant allele.
Comment: MDC1: PM2:Supporting, BP4, BP7